The following is an entry in ClinVar:

ClinVar aggregate classification (germline): Uncertain significance (1 of 4 stars; one submission).

gnomAD v4.1: 27 of 1,613,954 alleles (0.0017%); highest among the groups gnomAD compares: Non-Finnish European, 0.002%; no homozygotes.

Submission:

Labcorp Genetics (formerly Invitae), Labcorp
Classification: Uncertain significance. Last evaluated: 2022-08-10. Review status: criteria provided, single submitter. Criteria: Invitae Variant Classification Sherloc (09022015). Collection method: clinical testing. Allele origin: germline.
Comment: This sequence change falls in intron 16 of the DHX38 gene. It does not directly change the encoded amino acid sequence of the DHX38 protein. It affects a nucleotide within the consensus splice site. This variant is present in population databases (rs780211574, gnomAD 0.004%). This variant has not been reported in the literature in individuals affected with DHX38-related conditions. ClinVar contains an entry for this variant (Variation ID: 1507024). Variants that disrupt the consensus splice site are a relatively common cause of aberrant splicing (PMID: 17576681, 9536098). Algorithms developed to predict the effect of sequence changes on RNA splicing suggest that this variant is not likely to affect RNA splicing. In summary, the available evidence is currently insufficient to determine the role of this variant in disease. Therefore, it has been classified as a Variant of Uncertain Significance.

Literature cited by the submitters: PubMed 17576681; PubMed 9536098.

NM_014003.4(DHX38):c.2262+4C>G

Gene: DHX38 (DEAH-box helicase 38; plus strand). Cytogenetic location: 16q22.2.
Variant type: single nucleotide variant.
Coding change: c.2262+4C>G on transcript NM_014003.4 (MANE Select); 4 bases into the intron after coding-DNA position 2262, C replaced by G.
Molecular consequence: intron variant.
Genome position (GRCh38, 1-based): chr16:72,105,141, C>G. VCF-style: chr16-72105141-C-G. GRCh37 (hg19) VCF-style: chr16-72139040-C-G.
Identifiers: ClinVar variation 1507024 (VCV001507024.3), dbSNP rs780211574, ClinGen allele CA8160579.